The following is an entry in ClinVar:

ClinVar aggregate classification (germline): Uncertain significance (1 of 4 stars; one submission).

Conditions:
Niemann-Pick disease, type C1. Also called: NEUROVISCERAL STORAGE DISEASE WITH VERTICAL SUPRANUCLEAR OPHTHALMOPLEGIA; NIEMANN-PICK DISEASE WITH CHOLESTEROL ESTERIFICATION BLOCK; NIEMANN-PICK DISEASE WITHOUT SPHINGOMYELINASE DEFICIENCY; NIEMANN-PICK DISEASE, CHRONIC NEURONOPATHIC FORM; NIEMANN-PICK DISEASE, VARIANT TYPE C1. Identifiers: Orphanet 646, MedGen C3179455, MONDO:0009757, OMIM 257220.

Allele frequency attached by ClinVar (database versions not stated): gnomAD 0.00001; ExAC 0.00002; gnomAD exomes 0.00002.
gnomAD v4.1: 23 of 1,613,976 alleles (0.0014%); highest among the groups gnomAD compares: South Asian, 0.0099%; 1 homozygote.

Submission:

Labcorp Genetics (formerly Invitae), Labcorp
Classification: Uncertain significance for Niemann-Pick disease, type C1. Last evaluated: 2022-07-05. Review status: criteria provided, single submitter. Criteria: Invitae Variant Classification Sherloc (09022015). Collection method: clinical testing. Allele origin: germline.
Comment: This sequence change replaces alanine, which is neutral and non-polar, with threonine, which is neutral and polar, at codon 1108 of the NPC1 protein (p.Ala1108Thr). This variant is present in population databases (rs752676141, gnomAD 0.01%). This variant has not been reported in the literature in individuals affected with NPC1-related conditions. Advanced modeling of protein sequence and biophysical properties (such as structural, functional, and spatial information, amino acid conservation, physicochemical variation, residue mobility, and thermodynamic stability) performed at Invitae indicates that this missense variant is not expected to disrupt NPC1 protein function. In summary, the available evidence is currently insufficient to determine the role of this variant in disease. Therefore, it has been classified as a Variant of Uncertain Significance.

NM_000271.5(NPC1):c.3322G>A (p.Ala1108Thr)

Gene: NPC1 (NPC intracellular cholesterol transporter 1; minus strand). Cytogenetic location: 18q11.2.
Variant type: single nucleotide variant.
Coding change: c.3322G>A on transcript NM_000271.5 (MANE Select); coding-DNA position 3322, G replaced by A.
Protein change: p.Ala1108Thr; replaces alanine 1108 with threonine.
Molecular consequence: missense variant.
Genome position (GRCh38, 1-based): chr18:23,535,624, C>T on the plus strand (G>A on the coding strand, the complement: NPC1 is on the minus strand). VCF-style: chr18-23535624-C-T. GRCh37 (hg19) VCF-style: chr18-21115588-C-T.
Other names: short protein forms A1108T.
Identifiers: ClinVar variation 2200214 (VCV002200214.1), dbSNP rs752676141, ClinGen allele CA8912798.